The following is an entry in ClinVar:

ClinVar aggregate classification (germline): Conflicting classifications of pathogenicity. Review status: criteria provided, conflicting classifications (1 of 4 stars). 5 submissions from 5 submitters: Uncertain significance (1); Benign (1); Likely benign (3). Last evaluated 2026-01-24.

Conditions:
Bethlem myopathy 1A. Also called: Bethlem Muscular Dystrophy; MYOPATHY, BENIGN CONGENITAL, WITH CONTRACTURES; Bethlem myopathy 1. Identifiers: Orphanet 610, MedGen CN029274, MONDO:0024530, OMIM 158810.

Allele frequency attached by ClinVar (database versions not stated): gnomAD exomes 0.00022; ExAC 0.00033; 1000 Genomes Project 0.00060; gnomAD 0.00064 and 0.00068; TOPMed 0.00070; 1000 Genomes Project 30x 0.00078; ESP Exome Variant Server 0.00115.
gnomAD v4.1: 232 of 1,612,912 alleles (0.014%); highest among the groups gnomAD compares: African/African-American, 0.24%; 1 homozygote.

Submissions (5):

Labcorp Genetics (formerly Invitae), Labcorp
Classification: Benign for Bethlem myopathy 1A. Last evaluated: 2026-01-24. Review status: criteria provided, single submitter. Criteria: Invitae Variant Classification Sherloc (09022015). Collection method: clinical testing. Allele origin: germline.

Women's Health and Genetics/Laboratory Corporation of America, LabCorp
Classification: Likely benign. Last evaluated: 2025-05-20. Review status: criteria provided, single submitter. Criteria: LabCorp Variant Classification Summary - May 2015. Collection method: clinical testing. Allele origin: germline.

Mayo Clinic Laboratories, Mayo Clinic
Classification: Likely benign. Last evaluated: 2025-02-19. Review status: criteria provided, single submitter. Criteria: ACMG Guidelines, 2015. Collection method: clinical testing. Allele origin: germline. Observed: 1 variant allele.
Comment: BS1, BP4, BP7

Eurofins Ntd Llc (ga)
Classification: Uncertain significance. Last evaluated: 2016-08-23. Review status: criteria provided, single submitter. Criteria: EGL Classification Definitions 2015. Collection method: clinical testing. Allele origin: germline. Observed: 3 variant alleles, 3 heterozygotes.

GeneDx
Classification: Likely benign. Last evaluated: 2016-01-29. Review status: criteria provided, single submitter. Criteria: GeneDx Variant Classification (06012015). Collection method: clinical testing. Allele origin: germline. Affected: yes.
Comment: This variant is considered likely benign or benign based on one or more of the following criteria: it is a conservative change, it occurs at a poorly conserved position in the protein, it is predicted to be benign by multiple in silico algorithms, and/or has population frequency not consistent with disease.

NM_001849.4(COL6A2):c.1761C>T (p.Pro587=)

Gene: COL6A2 (collagen type VI alpha 2 chain; plus strand). Cytogenetic location: 21q22.3.
Variant type: single nucleotide variant.
Coding change: c.1761C>T on transcript NM_001849.4 (MANE Select); coding-DNA position 1761, C replaced by T.
Protein change: p.Pro587=; no amino-acid change (proline 587 retained).
Molecular consequence: synonymous variant.
Genome position (GRCh38, 1-based): chr21:46,124,911, C>T. VCF-style: chr21-46124911-C-T. GRCh37 (hg19) VCF-style: chr21-47544825-C-T.
Other names: p.Pro587=; c.1761C>T, p.Pro587= (NM_058174.3, NM_058175.3).
Identifiers: ClinVar variation 166932 (VCV000166932.20), dbSNP rs146311719, ClinGen allele CA233816.